The following is an entry in ClinVar:

ClinVar aggregate classification (germline): Uncertain significance. Review status: criteria provided, multiple submitters, no conflicts (2 of 4 stars). 2 submissions from 2 submitters: Uncertain significance (2). Last evaluated 2024-10-24.

Conditions:
Inborn genetic diseases. Identifiers: MedGen C0950123, MeSH D030342.
Developmental and epileptic encephalopathy, 25 (DEE25). Also called: Epileptic encephalopathy, early infantile, 25; Developmental and epileptic encephalopathy 25, with amelogenesis imperfecta; Epileptic encephalopathy, early infantile, 25, with amelogenesis imperfecta. Identifiers: Orphanet 442835, MedGen C4014621, MONDO:0014392, OMIM 615905.

Allele frequency attached by ClinVar (database versions not stated): gnomAD exomes below 0.00001 and 0.00001; ExAC 0.00001; gnomAD 0.00001; TOPMed 0.00001; ESP Exome Variant Server 0.00008.
gnomAD v4.1: 4 of 1,613,932 alleles (0.00025%); highest among the groups gnomAD compares: African/African-American, 0.0013%; no homozygotes.

Submissions (2):

Labcorp Genetics (formerly Invitae), Labcorp
Classification: Uncertain significance for Developmental and epileptic encephalopathy, 25. Last evaluated: 2024-10-24. Review status: criteria provided, single submitter. Criteria: Invitae Variant Classification Sherloc (09022015). Collection method: clinical testing. Allele origin: germline.
Comment: This sequence change replaces methionine, which is neutral and non-polar, with isoleucine, which is neutral and non-polar, at codon 62 of the SLC13A5 protein (p.Met62Ile). This variant is present in population databases (rs144640152, gnomAD 0.002%). This variant has not been reported in the literature in individuals affected with SLC13A5-related conditions. ClinVar contains an entry for this variant (Variation ID: 1372116). Invitae Evidence Modeling of protein sequence and biophysical properties (such as structural, functional, and spatial information, amino acid conservation, physicochemical variation, residue mobility, and thermodynamic stability) indicates that this missense variant is not expected to disrupt SLC13A5 protein function with a negative predictive value of 80%. In summary, the available evidence is currently insufficient to determine the role of this variant in disease. Therefore, it has been classified as a Variant of Uncertain Significance.

Ambry Genetics
Classification: Uncertain significance for Inborn genetic diseases. Last evaluated: 2023-11-18. Review status: criteria provided, single submitter. Criteria: Ambry Variant Classification Scheme 2023. Collection method: clinical testing. Allele origin: germline.

NM_177550.5(SLC13A5):c.186G>A (p.Met62Ile)

Gene: SLC13A5 (solute carrier family 13 member 5; minus strand). Cytogenetic location: 17p13.1.
Variant type: single nucleotide variant.
Coding change: c.186G>A on transcript NM_177550.5 (MANE Select); coding-DNA position 186, G replaced by A.
Protein change: p.Met62Ile; replaces methionine 62 with isoleucine.
Molecular consequence: missense variant. On other transcripts: intron variant (1).
Genome position (GRCh38, 1-based): chr17:6,707,073, C>T on the plus strand (G>A on the coding strand, the complement: SLC13A5 is on the minus strand). VCF-style: chr17-6707073-C-T. GRCh37 (hg19) VCF-style: chr17-6610392-C-T.
Other names: c.186G>A, p.Met62Ile (NM_001143838.3, NM_001284509.2); c.103-295G>A (NM_001284510.2); c.186G>A (NM_177550.3); short protein forms M62I.
Identifiers: ClinVar variation 1372116 (VCV001372116.9), dbSNP rs144640152, ClinGen allele CA8331856.
Genomic context (GRCh38, chr17:6,707,073, plus strand): 5'-CTTGGGTCTGCTCACCTGCCTGGAGTCCAGAATCTGGAAGAGTGGGAAAAGCAAGACAGG[C>T]ATGAGAGAGGTGACAGCCAGAGGGATGACTTCTGTGCACCAGTAAATGGCCATGAGGATG-3'
Protein context (NP_808218.1, residues 52-72): EVIPLAVTSL[Met62Ile]PVLLFPLFQI